The following is an entry in ClinVar:

ClinVar aggregate classification (germline): Likely pathogenic. Review status: criteria provided, multiple submitters, no conflicts (2 of 4 stars). 2 submissions from 2 submitters: Likely pathogenic (2). Last evaluated 2025-11-17.

Conditions:
Propionic acidemia (PROP). Also called: GLYCINEMIA, KETOTIC; HYPERGLYCINEMIA WITH KETOACIDOSIS AND LEUKOPENIA; KETOTIC HYPERGLYCINEMIA. Identifiers: Orphanet 35, MedGen C0268579, MONDO:0011628, OMIM 606054, HP:0003571.

Allele frequency attached by ClinVar (database versions not stated): gnomAD exomes below 0.00001; ExAC 0.00001; gnomAD 0.00001.
gnomAD v4.1: 3 of 1,599,356 alleles (0.00019%); highest among the groups gnomAD compares: Non-Finnish European, 0.00026%; no homozygotes.

Submissions (2):

Natera, Inc.
Classification: Likely pathogenic for Propionic acidemia. Last evaluated: 2025-11-17. Review status: criteria provided, single submitter. Criteria: Natera Variant Classification Schema (03/2026). Collection method: clinical testing. Allele origin: germline.
Comment: The c.468+1G>C variant in PCCA is a canonical splice donor site variant predicted to affect pre-mRNA splicing, which may result in an abnormal transcript and altered protein product. This variant is expected to result in nonsense mediated decay, truncation, or a dysfunctional protein product. This variant is rare in the general population with a frequency below the threshold expected for the associated phenotype(s). Given the available evidence, this variant is classified as Likely Pathogenic.

Labcorp Genetics (formerly Invitae), Labcorp
Classification: Likely pathogenic for Propionic acidemia. Last evaluated: 2022-09-16. Review status: criteria provided, single submitter. Criteria: Invitae Variant Classification Sherloc (09022015). Collection method: clinical testing. Allele origin: germline.
Comment: Algorithms developed to predict the effect of sequence changes on RNA splicing suggest that this variant may disrupt the consensus splice site. This variant has not been reported in the literature in individuals affected with PCCA-related conditions. This variant is present in population databases (rs766139678, gnomAD 0.0009%). This sequence change affects a donor splice site in intron 6 of the PCCA gene. It is expected to disrupt RNA splicing. Variants that disrupt the donor or acceptor splice site typically lead to a loss of protein function (PMID: 16199547), and loss-of-function variants in PCCA are known to be pathogenic (PMID: 15464417). In summary, the currently available evidence indicates that the variant is pathogenic, but additional data are needed to prove that conclusively. Therefore, this variant has been classified as Likely Pathogenic.

Literature cited by the submitters: PubMed 16199547 (cited by Labcorp Genetics (formerly Invitae), Labcorp); PubMed 15464417 (cited by Labcorp Genetics (formerly Invitae), Labcorp).

NM_000282.4(PCCA):c.468+1G>C

Gene: PCCA (propionyl-CoA carboxylase subunit alpha; plus strand). Cytogenetic location: 13q32.3.
Variant type: single nucleotide variant.
Coding change: c.468+1G>C on transcript NM_000282.4 (MANE Select); the canonical splice donor site of the intron after coding-DNA position 468, G replaced by C.
Molecular consequence: splice donor variant.
Genome position (GRCh38, 1-based): chr13:100,157,341, G>C. VCF-style: chr13-100157341-G-C. GRCh37 (hg19) VCF-style: chr13-100809595-G-C.
Other names: c.468+1G>C (NM_000282.3, NM_001178004.2, NM_001352605.2 and 2 more transcripts); c.-399+1G>C (NM_001352610.2, NM_001352611.2, NM_001352612.2); c.390+1G>C (NM_001127692.3, NM_001352607.2, NM_001352608.2).
Identifiers: ClinVar variation 1936549 (VCV001936549.6), dbSNP rs766139678, ClinGen allele CA7033232.
Genomic context (GRCh38, chr13:100,157,341, plus strand): 5'-TCTAAGGTACATCCAGGTTATGGATTCCTTTCAGAAAACAAAGAATTTGCCAGATGTTTG[G>C]TAAGTTGGTAATGAACCAGAAACTGTTCATTTCTTTTTCAGAAAGCAGTGTGGTAGCATG-3'